The following is an entry in ClinVar:

NM_014989.7(RIMS1):c.1045G>A (p.Glu349Lys)

Gene: RIMS1 (regulating synaptic membrane exocytosis 1; plus strand). Cytogenetic location: 6q13.
Variant type: single nucleotide variant.
Coding change: c.1045G>A on transcript NM_014989.7 (MANE Select); coding-DNA position 1045, G replaced by A.
Protein change: p.Glu349Lys; replaces glutamic acid 349 with lysine.
Molecular consequence: missense variant.
Genome position (GRCh38, 1-based): chr6:72,182,516, G>A. VCF-style: chr6-72182516-G-A. GRCh37 (hg19) VCF-style: chr6-72892219-G-A.
Other names: short protein forms E349K.
Identifiers: ClinVar variation 1517207 (VCV001517207.8), dbSNP rs866911868, ClinGen allele CA141417506.

ClinVar aggregate classification (germline): Uncertain significance (1 of 4 stars; one submission).

Allele frequency attached by ClinVar (database versions not stated): TOPMed 0.00001; gnomAD exomes 0.00002; gnomAD 0.00003.
gnomAD v4.1: 9 of 1,587,462 alleles (0.00057%); highest among the groups gnomAD compares: African/African-American, 0.0067%; no homozygotes.

Submission:

Labcorp Genetics (formerly Invitae), Labcorp
Classification: Uncertain significance. Last evaluated: 2021-07-18. Review status: criteria provided, single submitter. Criteria: Invitae Variant Classification Sherloc (09022015). Collection method: clinical testing. Allele origin: germline.
Comment: In summary, the available evidence is currently insufficient to determine the role of this variant in disease. Therefore, it has been classified as a Variant of Uncertain Significance. Algorithms developed to predict the effect of missense changes on protein structure and function are either unavailable or do not agree on the potential impact of this missense change (SIFT: "Deleterious"; PolyPhen-2: "Benign"; Align-GVGD: "Class C15"). This variant has not been reported in the literature in individuals affected with RIMS1-related conditions. This variant is not present in population databases (ExAC no frequency). This sequence change replaces glutamic acid with lysine at codon 349 of the RIMS1 protein (p.Glu349Lys). The glutamic acid residue is highly conserved and there is a small physicochemical difference between glutamic acid and lysine.